The following is an entry in ClinVar:

NM_025225.3(PNPLA3):c.51C>T (p.Phe17=)

Gene: PNPLA3 (patatin like domain 3, 1-acylglycerol-3-phosphate O-acyltransferase; plus strand). Cytogenetic location: 22q13.31.
Variant type: single nucleotide variant.
Coding change: c.51C>T on transcript NM_025225.3 (MANE Select); coding-DNA position 51, C replaced by T.
Protein change: p.Phe17=; no amino-acid change (phenylalanine 17 retained).
Molecular consequence: synonymous variant.
Genome position (GRCh38, 1-based): chr22:43,923,962, C>T. VCF-style: chr22-43923962-C-T. GRCh37 (hg19) VCF-style: chr22-44319842-C-T.
Identifiers: ClinVar variation 2653272 (VCV002653272.24), dbSNP rs1233022871, ClinGen allele CA514855914.

ClinVar aggregate classification (germline): Likely benign (1 of 4 stars; one submission).

Submission:

CeGaT Center for Human Genetics Tuebingen
Classification: Likely benign. Last evaluated: 2022-04-01. Review status: criteria provided, single submitter. Criteria: CeGaT Center For Human Genetics Tuebingen Variant Classification Criteria Version 2. Collection method: clinical testing. Allele origin: germline. Affected: yes. Observed: 1 variant allele.
Comment: PNPLA3: PM2:Supporting, BP4, BP7